The following is an entry in ClinVar:

ClinVar aggregate classification (germline): Likely pathogenic (1 of 4 stars; one submission).

Submission:

Quest Diagnostics Nichols Institute San Juan Capistrano
Classification: Likely pathogenic. Last evaluated: 2022-04-22. Review status: criteria provided, single submitter. Criteria: ACMG/ClinGen CNV Guidelines, 2019. Collection method: clinical testing. Allele origin: unknown.
Comment: This copy number gain involves multiple genes and is a recurrent genomic imbalance. It confers susceptibility to a range of neurodevelopmental disorders including autism spectrum disorder, developmental delay, intellectual disability, and speech delay. Additionally, increased risk for cardiovascular disease has been noted (Allach El Khattabi et al., J Med Genet. 2018 Oct 4. Pii: jmedgenet-2018-105389. PMID: 30287593). The clinical significance of this recurrent duplication has been debated, because similar duplications are repeatedly observed in uncharacterized controls and in unaffected relatives (Ullmann R et al., Hum Mutat. 2007 Jul;28(7):674-82.PMID: 17480035; Hannes FD et al., J Med Genet. 2009 Apr;46(4):223-32. PMID: 18550696). However, the duplication is enriched patients versus controls in multiple case-control studies (Coe et al., Nat Genet. 2014 Oct;46(10):1063-71., PMID: 25217958; Girirajan et al., N Engl J Med. 2012 Oct 4;367(14):1321-31., PMID: 22970919), with some exceptions (Kaminsky et al., Genet Med. 2011 Sep;13(9):777-84., PMID: 21844811). A male-biased effect on the penetrance of the neurodevelopmental phenotypes has been reported (Tropeano M et al., PLoS One. 2013 Apr 18;8(4):e61365.; PMID: 23637818). Thus, the clinical significance of this copy number variant (CNV) is likely pathogenic. Please note: because of variable phenotypic expressivity, incomplete penetrance, and occurrence in control populations, it is best interpreted as a susceptibility locus.

GRCh37/hg19 16p13.11(chr16:15509729-16255865)x3

Genes: ABCC1 (ATP binding cassette subfamily C member 1 (ABCC1 blood group); plus strand), ABCC6 (ATP binding cassette subfamily C member 6; minus strand), BMERB1 (bMERB domain containing 1; plus strand), CEP20 (centrosomal protein 20; minus strand), MARF1 (meiosis regulator and mRNA stability factor 1; minus strand) and 2 more. Cytogenetic location: 16p13.11.
Variant type: copy number gain.
Change: copy number 3 (three copies instead of two) of chr16:15,509,729-16,255,865 (746.1 kb, GRCh37 coordinates, 1-based), cytogenetic band 16p13.11.
Identifiers: ClinVar variation 1808011 (VCV001808011.1).